The following is an entry in ClinVar:

NM_001371279.1(REEP1):c.33-8C>A

Gene: REEP1 (receptor accessory protein 1; minus strand). Cytogenetic location: 2p11.2.
Variant type: single nucleotide variant.
Coding change: c.33-8C>A on transcript NM_001371279.1 (MANE Select); 8 bases into the intron before coding-DNA position 33, C replaced by A.
Molecular consequence: intron variant.
Genome position (GRCh38, 1-based): chr2:86,282,250, G>T on the plus strand (C>A on the coding strand, the complement: REEP1 is on the minus strand). VCF-style: chr2-86282250-G-T. GRCh37 (hg19) VCF-style: chr2-86509373-G-T.
Other names: c.54-8C>A (NM_001164730.2); c.25-18209C>A (NM_001164731.2); c.33-8C>A (NM_001164732.2, NM_001371280.1, NM_022912.3).
Identifiers: ClinVar variation 2415086 (VCV002415086.8), dbSNP rs766647344, ClinGen allele CA1748853.
Genomic context (GRCh38, chr2:86,282,250, plus strand): 5'-ATTTCACAGCCTTGTAGGAATAATACGCAGGGTAAAGGGTGCCAAATATAAGCCTGGAGG[G>T]AAGAGAGACAAAAATAAATACGATTTTTCATTTATCTTATTTAATGGAAAATGTCTGTCT-3'

ClinVar aggregate classification (germline): Conflicting classifications of pathogenicity. Review status: criteria provided, conflicting classifications (1 of 4 stars). 2 submissions from 2 submitters: Uncertain significance (1); Likely benign (1). Last evaluated 2026-06-01.

Conditions:
Hereditary spastic paraplegia 31. Also called: SPASTIC PARAPLEGIA 31, AUTOSOMAL DOMINANT. Identifiers: Orphanet 101011, MedGen C1853247, MONDO:0012453, OMIM 610250.

Allele frequency attached by ClinVar (database versions not stated): gnomAD exomes below 0.00001; ExAC 0.00001; TOPMed 0.00001.
gnomAD v4.1: 5 of 1,589,958 alleles (0.00031%); highest among the groups gnomAD compares: Admixed American, 0.0067%; no homozygotes.

Submissions (2):

CeGaT Center for Human Genetics Tuebingen
Classification: Uncertain significance. Last evaluated: 2026-06-01. Review status: criteria provided, single submitter. Criteria: CeGaT Center For Human Genetics Tuebingen Variant Classification Criteria Version 2. Collection method: clinical testing. Allele origin: germline. Affected: yes. Observed: 1 variant allele.
Comment: REEP1: PM2, BP4

Labcorp Genetics (formerly Invitae), Labcorp
Classification: Likely benign for Hereditary spastic paraplegia 31. Last evaluated: 2025-10-02. Review status: criteria provided, single submitter. Criteria: Invitae Variant Classification Sherloc (09022015). Collection method: clinical testing. Allele origin: germline.